The following is an entry in ClinVar:

ClinVar aggregate classification (germline): Uncertain significance. Review status: criteria provided, multiple submitters, no conflicts (2 of 4 stars). 2 submissions from 2 submitters: Uncertain significance (2). Last evaluated 2023-12-08.

Conditions:
Inborn genetic diseases. Identifiers: MedGen C0950123, MeSH D030342.

gnomAD v4.1: 15 of 1,613,634 alleles (0.00093%); highest among the groups gnomAD compares: Middle Eastern, 0.016%; no homozygotes.

Submissions (2):

Ambry Genetics
Classification: Uncertain significance for Inborn genetic diseases. Last evaluated: 2023-12-08. Review status: criteria provided, single submitter. Criteria: Ambry Variant Classification Scheme 2023. Collection method: clinical testing. Allele origin: germline.

Labcorp Genetics (formerly Invitae), Labcorp
Classification: Uncertain significance. Last evaluated: 2022-04-24. Review status: criteria provided, single submitter. Criteria: Invitae Variant Classification Sherloc (09022015). Collection method: clinical testing. Allele origin: germline.
Comment: In summary, the available evidence is currently insufficient to determine the role of this variant in disease. Therefore, it has been classified as a Variant of Uncertain Significance. Algorithms developed to predict the effect of missense changes on protein structure and function are either unavailable or do not agree on the potential impact of this missense change (SIFT: "Deleterious"; PolyPhen-2: "Benign"; Align-GVGD: "Class C0"). This variant has not been reported in the literature in individuals affected with PTPN23-related conditions. This variant is present in population databases (no rsID available, gnomAD 0.003%). This sequence change replaces valine, which is neutral and non-polar, with methionine, which is neutral and non-polar, at codon 1453 of the PTPN23 protein (p.Val1453Met).

NM_015466.4(PTPN23):c.4357G>A (p.Val1453Met)

Gene: PTPN23 (protein tyrosine phosphatase non-receptor type 23; plus strand). Cytogenetic location: 3p21.31.
Variant type: single nucleotide variant.
Coding change: c.4357G>A on transcript NM_015466.4 (MANE Select); coding-DNA position 4357, G replaced by A.
Protein change: p.Val1453Met; replaces valine 1453 with methionine.
Molecular consequence: missense variant.
Genome position (GRCh38, 1-based): chr3:47,412,553, G>A. VCF-style: chr3-47412553-G-A. GRCh37 (hg19) VCF-style: chr3-47454043-G-A.
Other names: c.3979G>A, p.Val1327Met (NM_001304482.2); c.4357G>A (NM_015466.2); short protein forms V1327M, V1453M.
Identifiers: ClinVar variation 2172725 (VCV002172725.4), dbSNP rs371253002, ClinGen allele CA73885846.